The following is an entry in ClinVar:

ClinVar aggregate classification (germline): Conflicting classifications of pathogenicity. Review status: criteria provided, conflicting classifications (1 of 4 stars). 11 submissions from 11 submitters: Pathogenic (1); Likely pathogenic (6); Uncertain significance (1). 3 of the submissions do not count toward it. Last evaluated 2026-06-09.

Conditions:
Polyglandular autoimmune syndrome, type 1 (APS1). Also called: Autoimmune polyendocrine syndrome type 1; Autoimmune polyendocrinopathy syndrome, type I; Autoimmune polyendocrinopathy syndrome , type I, with or without reversible metaphyseal dysplasia; AUTOIMMUNE POLYENDOCRINE SYNDROME, TYPE I, WITH OR WITHOUT REVERSIBLE METAPHYSEAL DYSPLASIA; HYPOADRENOCORTICISM WITH HYPOPARATHYROIDISM AND SUPERFICIAL MONILIASIS; APS I. Identifiers: Orphanet 3453, MedGen C0085859, MONDO:0009411, OMIM 240300.
Type 2 diabetes mellitus. Also called: Type II diabetes mellitus. Identifiers: MedGen C0011860, MeSH D003924, MONDO:0005148, OMIM 125853, HP:0005978.
AIRE-related disorder. Also called: AIRE-related condition.

Allele frequency attached by ClinVar (database versions not stated): gnomAD exomes 0.00002 and 0.00010; TOPMed 0.00002; gnomAD 0.00004 and 0.00007; ExAC 0.00006; 1000 Genomes Project 0.00080; 1000 Genomes Project 30x 0.00094.
gnomAD v4.1: 36 of 1,592,044 alleles (0.0023%); highest among the groups gnomAD compares: East Asian, 0.071%; no homozygotes.

Submissions (11):

PreventionGenetics, part of Exact Sciences
Classification: Likely pathogenic for AIRE-related condition. Last evaluated: 2026-06-09. Review status: criteria provided, single submitter. Criteria: ACMG Guidelines, 2015. Collection method: clinical testing. Allele origin: germline.
Comment: The AIRE c.652+1G>T variant is predicted to disrupt the GT donor site and interfere with normal splicing. This variant has been reported in an individual with common variable immunodeficiency (Liu et al. 2023. PubMed ID: 38028622). This variant is reported in 0.13% of alleles in individuals of East Asian descent in gnomAD. Variants that disrupt the consensus splice donor site in AIRE are expected to be pathogenic. This variant is interpreted as likely pathogenic.

Genesolutions, Medical Genetics Institutes, Ho Chi Minh City, Vietnam
Classification: Pathogenic for Polyglandular autoimmune syndrome, type 1. Last evaluated: 2025-09-24. Review status: criteria provided, single submitter. Criteria: ACMG Guidelines, 2015. Collection method: clinical testing. Allele origin: germline. Affected: yes.

Labcorp Genetics (formerly Invitae), Labcorp
Classification: Likely pathogenic for Polyglandular autoimmune syndrome, type 1. Last evaluated: 2025-04-26. Review status: criteria provided, single submitter. Criteria: Invitae Variant Classification Sherloc (09022015). Collection method: clinical testing. Allele origin: germline.
Comment: This sequence change affects a donor splice site in intron 5 of the AIRE gene. It is expected to disrupt RNA splicing. Variants that disrupt the donor or acceptor splice site typically lead to a loss of protein function (PMID: 16199547), and loss-of-function variants in AIRE are known to be pathogenic (PMID: 11524731, 26141571). This variant is present in population databases (rs199612115, gnomAD 0.1%). This variant has not been reported in the literature in individuals affected with AIRE-related conditions. ClinVar contains an entry for this variant (Variation ID: 370839). Algorithms developed to predict the effect of sequence changes on RNA splicing suggest that this variant may disrupt the consensus splice site. In summary, the currently available evidence indicates that the variant is pathogenic, but additional data are needed to prove that conclusively. Therefore, this variant has been classified as Likely Pathogenic.

Fulgent Genetics
Classification: Likely pathogenic for Polyglandular autoimmune syndrome, type 1. Last evaluated: 2024-05-07. Review status: criteria provided, single submitter. Criteria: ACMG Guidelines, 2015. Collection method: clinical testing. Allele origin: germline.

GeneDx
Classification: Uncertain significance. Last evaluated: 2023-11-15. Review status: criteria provided, single submitter. Criteria: GeneDx Variant Classification Process June 2021. Collection method: clinical testing. Allele origin: germline. Affected: yes.
Comment: Identified as a single heterozygous variant in patients in published literature, but additional evidence is not available (PMID: 35314707); Canonical splice site variant predicted to result in an in-frame loss of the adjacent exon in a gene for which loss of function is a known mechanism of disease; This variant is associated with the following publications: (PMID: 35314707)

Blueprint Genetics
Classification: Likely pathogenic for AIRE-related disorders. Last evaluated: 2023-01-23. Review status: criteria provided, single submitter. Criteria: ACMG Guidelines, 2015. Collection method: clinical testing. Allele origin: germline. Affected: yes. Observed: 5 variant alleles.

Revvity Omics, Revvity
Classification: Likely pathogenic for Polyglandular autoimmune syndrome, type 1. Last evaluated: 2022-05-13. Review status: criteria provided, single submitter. Criteria: ACMG Guidelines, 2015. Collection method: clinical testing. Allele origin: germline.

Juno Genomics, Hangzhou Juno Genomics, Inc
Classification: Likely pathogenic for Polyglandular autoimmune syndrome, type 1. Review status: criteria provided, single submitter. Criteria: ACMG Guidelines, 2015. Collection method: clinical testing. Allele origin: germline.
Comment: Absent from controls (or at extremely low frequency if recessive) in Genome Aggregation Database.;Null variant in a gene where loss of function (LOF) is a known mechanism of disease.;Patient's phenotype or family history is highly specific for a disease with a single genetic etiology.

Gene Friend Way, National Innovation Center
Classification: Likely pathogenic for Type 2 diabetes mellitus. Last evaluated: 2025-01-01. Review status: no assertion criteria provided. Collection method: clinical testing. Allele origin: unknown. Affected: yes. Observed: 3 variant alleles. Clinical features observed: Type 2 diabetes mellitus (HP:0005978). Not counted in ClinVar's aggregate classification.
Comment: This variant is expected to disrupt RNA splicing, lead to a loss of protein function (PMID: 16199547). Loss-of-function variants in AIRE are known to be pathogenic (PMID: 11524731, 26141571). This variant is very rare in ExAC and gnomAD database, while 3/255 patients in our study carry this mutation. AIRE has been known to be associated with type 1 diabetes (PMID: 28966617, 38709934).

Natera, Inc.
Classification: Likely pathogenic for Polyglandular autoimmune syndrome type 1. Last evaluated: 2020-09-16. Review status: no assertion criteria provided. Collection method: clinical testing. Allele origin: germline. Not counted in ClinVar's aggregate classification.

Counsyl
Classification: Likely pathogenic for Polyglandular autoimmune syndrome, type 1. Last evaluated: 2016-04-22. Review status: no assertion criteria provided. Collection method: clinical testing. Allele origin: unknown. Not counted in ClinVar's aggregate classification.

Literature cited by the submitters: PubMed 16199547 (cited by Labcorp Genetics (formerly Invitae), Labcorp and Gene Friend Way, National Innovation Center); PubMed 11524731 (cited by Labcorp Genetics (formerly Invitae), Labcorp and Gene Friend Way, National Innovation Center); PubMed 26141571 (cited by Labcorp Genetics (formerly Invitae), Labcorp and Gene Friend Way, National Innovation Center); PubMed 28966617 (cited by Gene Friend Way, National Innovation Center); PubMed 38709934 (cited by Gene Friend Way, National Innovation Center).

NM_000383.4(AIRE):c.652+1G>T

Gene: AIRE (autoimmune regulator; plus strand). Cytogenetic location: 21q22.3.
Variant type: single nucleotide variant.
Coding change: c.652+1G>T on transcript NM_000383.4 (MANE Select); the canonical splice donor site of the intron after coding-DNA position 652, G replaced by T.
Molecular consequence: splice donor variant.
Genome position (GRCh38, 1-based): chr21:44,288,459, G>T. VCF-style: chr21-44288459-G-T. GRCh37 (hg19) VCF-style: chr21-45708342-G-T.
Identifiers: ClinVar variation 370839 (VCV000370839.25), dbSNP rs199612115, ClinGen allele CA10051650.